The following is an entry in ClinVar:

NM_014706.4(SART3):c.646T>C (p.Ser216Pro)

Gene: SART3 (spliceosome associated factor 3, U4/U6 recycling protein; minus strand). Cytogenetic location: 12q23.3.
Variant type: single nucleotide variant.
Coding change: c.646T>C on transcript NM_014706.4 (MANE Select); coding-DNA position 646, T replaced by C.
Protein change: p.Ser216Pro; replaces serine 216 with proline.
Molecular consequence: missense variant.
Genome position (GRCh38, 1-based): chr12:108,545,222, A>G on the plus strand (T>C on the coding strand, the complement: SART3 is on the minus strand). VCF-style: chr12-108545222-A-G. GRCh37 (hg19) VCF-style: chr12-108938998-A-G.
Other names: c.646T>C, p.Ser216Pro (NM_001410983.1); short protein forms S216P.
Identifiers: ClinVar variation 2444510 (VCV002444510.1), dbSNP rs2540753340, ClinGen allele CA386443657.

ClinVar aggregate classification (germline): Likely pathogenic (0 of 4 stars; one submission).

Conditions:
Intellectual disability, Neurodevelopmental defects and Developmental delay with 46,XY gonadal dysgenesis.

Submission:

Reproductive Development, Murdoch Childrens Research Institute
Classification: Likely pathogenic for Intellectual disability, Neurodevelopmental defects and Developmental delay with 46,XY gonadal dysgenesis. Last evaluated: 2023-03-06. Review status: no assertion criteria provided. Collection method: research. Allele origin: paternal. Inheritance: Autosomal recessive inheritance. Affected: yes. Observed: 1 variant allele.
Comment: It was identified as part of a larger study that has found biallelic variants in SART3 in nine children from six families with overlapping clinical features. The variant falls in a highly conserved residue within an important HAT protein domain. The variant is extremely rare or absent in population databases.

Literature cited by the submitters: PubMed 37296101.